The following is an entry in ClinVar:

ClinVar aggregate classification (germline): Uncertain significance (1 of 4 stars; one submission).

Conditions:
Atelosteogenesis type III. Also called: Atelosteogenesis Type 3 (FLNB-AO3). Identifiers: Orphanet 56305, MedGen C3668942, MONDO:0007168, OMIM 108721.

Submission:

3billion
Classification: Uncertain significance for Atelosteogenesis type III. Review status: criteria provided, single submitter. Criteria: ACMG Guidelines, 2015. Collection method: clinical testing. Allele origin: unknown. Affected: yes. Observed: 1 heterozygote.
Comment: The variant is not observed in the gnomAD v2.1.1 dataset. In silico tool predictions suggest damaging effect of the variant on gene or gene product (REVEL: 0.92; 3Cnet: 0.74). Therefore, this variant is classified as Uncertain significance according to the recommendation of ACMG/AMP guideline.

NM_001457.4(FLNB):c.5696T>A (p.Ile1899Asn)

Gene: FLNB (filamin B; plus strand). Cytogenetic location: 3p14.3.
Variant type: single nucleotide variant.
Coding change: c.5696T>A on transcript NM_001457.4 (MANE Select); coding-DNA position 5696, T replaced by A.
Protein change: p.Ile1899Asn; replaces isoleucine 1899 with asparagine.
Molecular consequence: missense variant.
Genome position (GRCh38, 1-based): chr3:58,146,961, T>A. VCF-style: chr3-58146961-T-A. GRCh37 (hg19) VCF-style: chr3-58132688-T-A.
Other names: c.5789T>A, p.Ile1930Asn (NM_001164317.2); c.5663T>A, p.Ile1888Asn (NM_001164318.2); c.5624T>A, p.Ile1875Asn (NM_001164319.2); short protein forms I1875N, I1888N, I1899N, I1930N.
Identifiers: ClinVar variation 2572516 (VCV002572516.1), dbSNP rs2471200222, ClinGen allele CA353355149.
Genomic context (GRCh38, chr3:58,146,961, plus strand): 5'-CCTACCTGCCGACTCTGCCAGGCGACTACAGCATTCTGGTCAAGTACAATGACAAGCACA[T>A]CCCTGGCAGCCCCTTCACAGCCAAGATCACAGGTAGGGTTGTCTGGCTTCTGGGGTCTTC-3'
Protein context (NP_001448.2, residues 1889-1909): SILVKYNDKH[Ile1899Asn]PGSPFTAKIT